The following continues an entry in ClinVar:

NM_000152.5(GAA):c.-32-13T>G

Gene: GAA. ClinVar aggregate classification (germline): Pathogenic. Pathogenic (1).

Submissions 25 to 37 of 77:

Ambry Genetics
Classification: Pathogenic for Cardiovascular phenotype. Last evaluated: 2024-03-15. Review status: criteria provided, single submitter. Criteria: Ambry Variant Classification Scheme 2023. Collection method: clinical testing. Allele origin: germline. Not counted in ClinVar's aggregate classification.
Comment: The c.-32-13T>G intronic pathogenic mutation (also known as c.-45T>G and IVS1-13T>G) results from a T to G substiution 45 nucleotides before coding exon 1 in the GAA gene. This pathogenic mutation is frequently reported in individuals with adult onset glycogen storage disease type II (Huie ML et al. Hum Mol Genet. 1994;3(12):2231-6). Another study reported this leaky splice site affects the pre-mRNA splicing and binding of regulatory proteins in this region (Dardis A et al. Nucleic Acids Res. 2014;42(2):1291-302). This nucleotide position is not well conserved in available vertebrate species. Based on the supporting evidence, this alteration is interpreted as a disease-causing mutation.

Department of Human Genetics, Hannover Medical School
Classification: Likely pathogenic for Glycogen storage disease, type II. Last evaluated: 2024-02-06. Review status: criteria provided, single submitter. Criteria: ACMG Guidelines, 2015. Collection method: clinical testing. Allele origin: germline. Affected: yes. Not counted in ClinVar's aggregate classification.

Laboratory of Medical Genetics, National & Kapodistrian University of Athens
Classification: Pathogenic for Glycogen storage disease, type II. Last evaluated: 2024-02-01. Review status: criteria provided, single submitter. Criteria: ACMG Guidelines, 2015. Collection method: curation. Allele origin: germline. Affected: no. Not counted in ClinVar's aggregate classification.

Rady Children's Institute for Genomic Medicine, Rady Children's Hospital San Diego
Classification: Pathogenic for GLYCOGEN STORAGE DISEASE II. Last evaluated: 2023-11-27. Review status: criteria provided, single submitter. Criteria: ACMG Guidelines, 2015. Collection method: clinical testing. Allele origin: germline. Affected: yes. Not counted in ClinVar's aggregate classification.
Comment: This is a known pathogenic variant that has been previously reported as compound heterozygous and homozygous change in patients with late onset glycogen storage disease type II (GSDII) (PMID: 7717400, 24150945, 7881425, 16917947, 27649523, 26231297, 20301438). The c.-32-13T>G variant is present in the gnomAD population database at a frequency of 0.34% (856/251700) in the heterozygous state and a frequency of 0.0003% (1/251700) in the homozygous state. Multiple splice prediction tools suggest this variant is likely not to interfere with normal splicing. Functional studies report that the c.-32-13T>G variant generates three alternatively spliced non-functional mRNAs with deletion of exon 2 and a low level of normal transcript, which accounts for the delayed phenotypic expression of the disease (PMID: 7717400, 24150945, 7881425, 28624228). Based on the available evidence, the c.-32-13T>G variant is classified as Pathogenic.

Department of Pathology and Laboratory Medicine, Sinai Health System
Classification: Pathogenic for Glycogen storage disease, type II. Last evaluated: 2023-04-24. Review status: criteria provided, single submitter. Criteria: ACMG Guidelines, 2015. Collection method: research. Allele origin: germline. Not counted in ClinVar's aggregate classification.

Molecular Genetics, Royal Melbourne Hospital
Classification: Pathogenic for Glycogen storage disease due to acid maltase deficiency, late-onset. Last evaluated: 2023-03-30. Review status: criteria provided, single submitter. Criteria: ACMG Guidelines, 2015. Collection method: clinical testing. Allele origin: germline. Not counted in ClinVar's aggregate classification.
Comment: This sequence change falls in intron 1 of GAA. The variant is present in a large population cohort at a frequency of 0.3% (rs386834236, 856/251,700 alleles, 1 homozygote in gnomAD v2.1). It is the most commonly reported variant (homozygous or with a second pathogenic allele) in individuals affected by the late-onset form of glycogen storage disorder type II confirmed by reduced enzyme activities in lymphocytes/muscle tissue, and segregates with disease (PMID: 7881425, 16917947, 26231297). Multiple lines of computational evidence predict no significant splice defect (SpliceAI, MaxEntScan, NNSplice). However, functional assays demonstrate the variant has a leaky splice effect by abrogating binding of splice factors to the exon 2 polypyrimidine tract leading to a significant increase in aberrantly spliced transcripts with some expression of the full-length transcript from the variant allele (PMID: 24150945). Based on the classification scheme RMH Modified ACMG Guidelines v1.3.2, this variant is classified as PATHOGENIC. Following criteria are met: PM3_VeryStrong, PS3_Supporting, PP1, PP4.

Genetics and Molecular Pathology, SA Pathology
Classification: Pathogenic for Glycogen storage disease, type II. Last evaluated: 2022-12-29. Review status: criteria provided, single submitter. Criteria: ACMG Guidelines, 2015. Collection method: clinical testing. Allele origin: germline. Inheritance: Autosomal recessive inheritance. Affected: yes. Not counted in ClinVar's aggregate classification.
Comment: The GAA c.-32-13T>G variant is classified as Likely Pathogenic (PS3_Moderate, PM3_Very_Strong, PP4_moderate) GAA c.-32-13T>G is located in intron 1/19. Functional studies show that the variant results in an increased amount of aberrant splicing and a reduction in normal spliced mRNA. Some residual normal spliced mRNA remains, possibly accounting for the late onset of disease. This variant has been reported as a Class A severity variant (PMID:24510945, 7717400, 18425781) (PS3_moderate). This variant has been detected in trans with a pathogenic variant in affected patients and is considered the most common GAA variant in patients with adult onset Pompe disease (PMID:16917947, 17210890, 27189384, 7881425, 7717400) (PM3_Very strong). The variant has been reported in dbSNP (rs386834236), as Pathogenic by other diagnostic laboratories (ClinVar Variation ID: 4027) and as disease causing in HGMD (CS941489). The clinical features of this case are highly specific for a variant in the GAA gene (PMID:18425781) (PP4_moderate).

Laboratory for Molecular Medicine, Mass General Brigham Personalized Medicine
Classification: Pathogenic for Glycogen storage disease, type II. Last evaluated: 2022-11-03. Review status: criteria provided, single submitter. Criteria: ACMG Guidelines, 2015. Collection method: clinical testing. Allele origin: germline. Inheritance: Autosomal recessive inheritance. Not counted in ClinVar's aggregate classification.
Comment: The c.-32-13T>G variant in GAA is a well-established pathogenic variant for glycogen storage disease type II (GSD2). This is the most common variant in Caucasian individuals with late-onset GSD2, though it is rarely identified in individuals with the infantile-onset form of the disorder (Kroos 2007 PMID: 17210890, Byrne 2011 PMID: 21439876). This variant segregated with disease in many affected relatives from multiple families (Wens 2013 PMID: 24245577). The c.-32-13T>G variant has also been reported by other clinical laboratories in ClinVar (Variation ID: 4027) and has been identified in 0.55% (45/8122) of Ashkenazi Jewish and in 0.5% (614/116004) of European chromosomes by gnomAD. This variant is located in the 3' splice region. Functional studies have demonstrated that this variant alters splicing of the GAA transcript, leading to reduced expression of functional GAA enzyme (Dardis 2014 PMID: 24150945). In summary, despite its high frequency in the general population, the c.-32-13T>G variant meets criteria to be classified as pathogenic for late-onset glycogen storage disease type II in an autosomal recessive manner based upon functional evidence and its identification in numerous affected individuals. ACMG/AMP Criteria applied: PM3_Very Strong, PP1_Strong, PS3_Supporting.

Clinical Genetics Laboratory, Skane University Hospital Lund
Classification: Pathogenic. Last evaluated: 2022-09-26. Review status: criteria provided, single submitter. Criteria: ACMG Guidelines, 2015. Collection method: clinical testing. Allele origin: germline. Affected: yes. Not counted in ClinVar's aggregate classification.

Kariminejad - Najmabadi Pathology & Genetics Center
Classification: Pathogenic for Glycogen storage disease, type II. Last evaluated: 2022-08-19. Review status: criteria provided, single submitter. Criteria: ACMG Guidelines, 2015. Collection method: clinical testing. Allele origin: germline. Inheritance: Autosomal recessive inheritance. Affected: yes. Observed: 2 variant alleles. Not counted in ClinVar's aggregate classification.
Comment: PM3_Very Strong, PS3_Moderate, PP4_Moderate

MGZ Medical Genetics Center
Classification: Pathogenic for Glycogen storage disease, type IV. Last evaluated: 2022-08-19. Review status: criteria provided, single submitter. Criteria: ACMG Guidelines, 2015. Collection method: clinical testing. Allele origin: germline. Affected: yes. Observed: 10 variant alleles. Not counted in ClinVar's aggregate classification.
Comment: ACMG criteria applied: PM3_VSTR, PP1_STR, PS3_SUP

Servicio Canario de Salud, Hospital Universitario Nuestra Sra. de Candelaria
Classification: Pathogenic for Glycogen storage disease, type II. Last evaluated: 2022-04-22. Review status: criteria provided, single submitter. Criteria: ACMG Guidelines, 2015. Collection method: clinical testing. Allele origin: germline. Inheritance: Autosomal recessive inheritance. Affected: yes. Observed: 1 compound heterozygote. Not counted in ClinVar's aggregate classification.
Comment: Pompe Variant Database describes this phenotype in eight patients, all diagnosed between the ages of 20 and 60. It has been previously reported in patients with Pompe disease adult-onset GSDII (PMID: 7881425, 24150945, 16917947; 17210890; 27189384). This variant is present in population databases ( gnomAD allele frequency 0.003401). ClinVar contains an entry for this variant (Variation ID: 4027). Functional studies demonstrate that this variant results in aberrant gene splicing (PMID: 24150945). In summary, c.-32-13T>G GAA variant meets our criteria to be classified as pathogenic for late-onset glycogen storage disease type II in an autosomal recessive manner based upon functional evidence and its identification in numerous affected individuals.

AiLife Diagnostics
Classification: Pathogenic. Last evaluated: 2022-03-23. Review status: criteria provided, single submitter. Criteria: ACMG Guidelines, 2015. Collection method: clinical testing. Allele origin: germline. Affected: yes. Observed: 80 variant alleles. Not counted in ClinVar's aggregate classification.